The following is an entry in ClinVar:

NM_001080467.3(MYO5B):c.4202G>A (p.Arg1401Gln)

Gene: MYO5B (myosin VB; minus strand). Cytogenetic location: 18q21.1.
Variant type: single nucleotide variant.
Coding change: c.4202G>A on transcript NM_001080467.3 (MANE Select); coding-DNA position 4202, G replaced by A.
Protein change: p.Arg1401Gln; replaces arginine 1401 with glutamine.
Molecular consequence: missense variant.
Genome position (GRCh38, 1-based): chr18:49,853,468, C>T on the plus strand (G>A on the coding strand, the complement: MYO5B is on the minus strand). VCF-style: chr18-49853468-C-T. GRCh37 (hg19) VCF-style: chr18-47379838-C-T.
Other names: short protein forms R1401Q.
Identifiers: ClinVar variation 891235 (VCV000891235.8), dbSNP rs199722479, ClinGen allele CA8960442.

ClinVar aggregate classification (germline): Uncertain significance. Review status: criteria provided, multiple submitters, no conflicts (2 of 4 stars). 3 submissions from 3 submitters: Uncertain significance (2). 1 of the submissions does not count toward it. Last evaluated 2022-09-07.

Conditions:
Congenital microvillous atrophy (DIAR2). Also called: CONGENITAL FAMILIAL PROTRACTED DIARRHEA WITH ENTEROCYTE BRUSH-BORDER ABNORMALITIES; DAVIDSON DISEASE; MICROVILLUS ATROPHY, CONGENITAL; Microvillus inclusion disease; Diarrhea 2 with microvillus atrophy, with or without cholestasis. Identifiers: Orphanet 2290, MedGen C0341306, MONDO:0009635, OMIM 251850.
MYO5B-related disorder. Also called: MYO5B-related condition.

Allele frequency attached by ClinVar (database versions not stated): gnomAD 0.00001 and 0.00003; TOPMed 0.00002; ExAC 0.00009; gnomAD exomes 0.00009; 1000 Genomes Project 30x 0.00016; 1000 Genomes Project 0.00020.
gnomAD v4.1: 97 of 1,613,890 alleles (0.006%); highest among the groups gnomAD compares: East Asian, 0.19%; 1 homozygote.

Submissions (3):

Labcorp Genetics (formerly Invitae), Labcorp
Classification: Uncertain significance. Last evaluated: 2022-09-07. Review status: criteria provided, single submitter. Criteria: Invitae Variant Classification Sherloc (09022015). Collection method: clinical testing. Allele origin: germline.
Comment: This sequence change replaces arginine, which is basic and polar, with glutamine, which is neutral and polar, at codon 1401 of the MYO5B protein (p.Arg1401Gln). This variant is present in population databases (rs199722479, gnomAD 0.1%). This variant has not been reported in the literature in individuals affected with MYO5B-related conditions. ClinVar contains an entry for this variant (Variation ID: 891235). Algorithms developed to predict the effect of missense changes on protein structure and function output the following: SIFT: "Deleterious"; PolyPhen-2: "Benign"; Align-GVGD: "Class C0". The glutamine amino acid residue is found in multiple mammalian species, which suggests that this missense change does not adversely affect protein function. In summary, the available evidence is currently insufficient to determine the role of this variant in disease. Therefore, it has been classified as a Variant of Uncertain Significance.

Illumina Laboratory Services, Illumina
Classification: Uncertain significance for Congenital microvillous atrophy. Last evaluated: 2018-01-12. Review status: criteria provided, single submitter. Criteria: ICSL Variant Classification Criteria 13 December 2019. Collection method: clinical testing. Allele origin: germline.

PreventionGenetics, part of Exact Sciences
Classification: Uncertain significance for MYO5B-related condition. Last evaluated: 2024-02-21. Review status: no assertion criteria provided. Collection method: clinical testing. Allele origin: germline. Not counted in ClinVar's aggregate classification.
Comment: The MYO5B c.4202G>A variant is predicted to result in the amino acid substitution p.Arg1401Gln. To our knowledge, this variant has not been reported in the literature. This variant is reported in 0.11% of alleles in individuals of East Asian descent in gnomAD. Although we suspect that this variant may be benign, at this time, the clinical significance of this variant is uncertain due to the absence of conclusive functional and genetic evidence.